The following is an entry in ClinVar:

ClinVar aggregate classification (germline): Likely benign. Review status: criteria provided, multiple submitters, no conflicts (2 of 4 stars). 4 submissions from 4 submitters: Likely benign (4). Last evaluated 2023-10-02.

Conditions:
Cardiovascular phenotype. Identifiers: MedGen CN230736.
Cardiac arrhythmia. Also called: Arrhythmia; Cardiac rhythm disease. Identifiers: MedGen C0003811, MONDO:0007263, HP:0011675.
Long QT syndrome (LQTS). Identifiers: MedGen C0023976, MeSH D008133, MONDO:0002442. Disease mechanism: loss of function. Inheritance: Various modes of inheritance.

Allele frequency attached by ClinVar (database versions not stated): TOPMed below 0.00001; ExAC 0.00001.
gnomAD v4.1: 17 of 1,613,334 alleles (0.0011%); highest among the groups gnomAD compares: Middle Eastern, 0.017%; no homozygotes.

Submissions (4):

All of Us Research Program, National Institutes of Health
Classification: Likely benign for Long QT syndrome. Last evaluated: 2023-10-02. Review status: criteria provided, single submitter. Criteria: ACMG Guidelines, 2015. Collection method: clinical testing. Allele origin: germline. Inheritance: Autosomal dominant inheritance. Observed: 1 variant allele, 1 heterozygote.
Comment: This study involves interpretation of variants in research participants for the purpose of population health screening. Participant phenotype was not available at the time of variant classification. Additional details can be found in publication PMID: 35346344, PMCID: PMC8962531

Labcorp Genetics (formerly Invitae), Labcorp
Classification: Likely benign for Long QT syndrome. Last evaluated: 2023-01-12. Review status: criteria provided, single submitter. Criteria: Invitae Variant Classification Sherloc (09022015). Collection method: clinical testing. Allele origin: germline.

Ambry Genetics
Classification: Likely benign for Cardiovascular phenotype. Last evaluated: 2019-05-31. Review status: criteria provided, single submitter. Criteria: Ambry Variant Classification Scheme 2023. Collection method: clinical testing. Allele origin: germline.

Color Diagnostics, LLC DBA Color Health
Classification: Likely benign for Arrhythmia. Last evaluated: 2019-01-07. Review status: criteria provided, single submitter. Criteria: ACMG Guidelines, 2015. Collection method: clinical testing. Allele origin: germline.

NM_000218.3(KCNQ1):c.1320C>A (p.Val440=)

Gene: KCNQ1 (potassium voltage-gated channel subfamily Q member 1; plus strand). Cytogenetic location: 11p15.5.
Variant type: single nucleotide variant.
Coding change: c.1320C>A on transcript NM_000218.3 (MANE Select); coding-DNA position 1320, C replaced by A.
Protein change: p.Val440=; no amino-acid change (valine 440 retained).
Molecular consequence: synonymous variant.
Genome position (GRCh38, 1-based): chr11:2,588,781, C>A. VCF-style: chr11-2588781-C-A. GRCh37 (hg19) VCF-style: chr11-2610011-C-A.
Other names: c.1224C>A, p.Val408= (NM_001406836.1); c.1050C>A, p.Val350= (NM_001406837.1); c.780C>A, p.Val260= (NM_001406838.1); c.939C>A, p.Val313= (NM_181798.2).
Identifiers: ClinVar variation 918526 (VCV000918526.13), dbSNP rs781151116, ClinGen allele CA028547.